The following is an entry in ClinVar:

NM_000492.4(CFTR):c.1189del (p.Asn396_Val397insTer)

Gene: CFTR (CF transmembrane conductance regulator; plus strand). Cytogenetic location: 7q31.2.
Variant type: Deletion.
Coding change: c.1189del on transcript NM_000492.4 (MANE Select); coding-DNA position 1189, one base deleted (G; older notation c.1189delG).
Protein change: p.Asn396_Val397insTer.
Molecular consequence: nonsense.
Genome position (GRCh38, 1-based): chr7:117,542,088, G deleted. VCF-style (leftmost placement, unchanged base first): chr7-117542087-TG-T. GRCh37 (hg19) VCF-style: chr7-117182141-TG-T.
Other names: c.1189delG (NM_000492.4).
Identifiers: ClinVar variation 2577304 (VCV002577304.3), dbSNP rs2485030489, ClinGen allele CA2580614235.

ClinVar aggregate classification (germline): Pathogenic (1 of 4 stars; one submission).

Conditions:
Cystic fibrosis (CF). Also called: MUCOVISCIDOSIS. Identifiers: Orphanet 586, MedGen C0010674, MONDO:0009061, OMIM 219700. Disease mechanism: loss of function.

Submission:

Women's Health and Genetics/Laboratory Corporation of America, LabCorp
Classification: Pathogenic for Cystic fibrosis. Last evaluated: 2025-04-22. Review status: criteria provided, single submitter. Criteria: LabCorp Variant Classification Summary - May 2015. Collection method: clinical testing. Allele origin: germline.
Comment: Variant summary: CFTR c.1189delG (p.Val397X) results in a premature termination codon, predicted to cause a truncation of the encoded protein or absence of the protein due to nonsense mediated decay, which are commonly known mechanisms for disease. The variant was absent in 250930 control chromosomes. To our knowledge, no occurrence of c.1189delG in individuals affected with Cystic Fibrosis and no experimental evidence demonstrating its impact on protein function have been reported. ClinVar contains an entry for this variant (Variation ID: 2577304). Based on the evidence outlined above, the variant was classified as pathogenic.